The following is an entry in ClinVar:

ClinVar aggregate classification (germline): Uncertain significance (1 of 4 stars; one submission).

Submission:

Labcorp Genetics (formerly Invitae), Labcorp
Classification: Uncertain significance. Last evaluated: 2023-04-24. Review status: criteria provided, single submitter. Criteria: Invitae Variant Classification Sherloc (09022015). Collection method: clinical testing. Allele origin: germline.
Comment: In summary, the available evidence is currently insufficient to determine the role of this variant in disease. Therefore, it has been classified as a Variant of Uncertain Significance. Experimental studies and prediction algorithms are not available or were not evaluated, and the functional significance of this variant is currently unknown. ClinVar contains an entry for this variant (Variation ID: 2074705). This variant has not been reported in the literature in individuals affected with PYROXD1-related conditions. This variant is not present in population databases (gnomAD no frequency). This variant, c.133_135del, results in the deletion of 1 amino acid(s) of the PYROXD1 protein (p.Pro45del), but otherwise preserves the integrity of the reading frame.

NM_024854.5(PYROXD1):c.133_135del (p.Pro45del)

Gene: PYROXD1 (pyridine nucleotide-disulphide oxidoreductase domain 1; plus strand). Cytogenetic location: 12p12.1.
Variant type: Deletion.
Coding change: c.133_135del on transcript NM_024854.5 (MANE Select); coding-DNA positions 133 to 135, 3 bases deleted (CCT; older notation c.133_135delCCT).
Protein change: p.Pro45del; deletes proline 45.
Molecular consequence: inframe deletion. On other transcripts: 5 prime UTR variant (2).
Genome position (GRCh38, 1-based): chr12:21,440,416-21,440,418, CCT deleted; deleting any 3 consecutive bases within chr12:21,440,414-21,440,418 gives the same sequence; the c. name uses the placement nearest the transcript's 3' end. VCF-style (leftmost placement, unchanged base first): chr12-21440413-TCTC-T. GRCh37 (hg19) VCF-style: chr12-21593347-TCTC-T.
Other names: c.-81_-79del (NM_001350912.2); c.-571_-569del (NM_001350913.2); short protein forms P45del.
Identifiers: ClinVar variation 2074705 (VCV002074705.4), dbSNP rs1555137914, ClinGen allele CA384298790.